The following is an entry in ClinVar:

ClinVar aggregate classification (germline): Uncertain significance (1 of 4 stars; one submission).

Submission:

Mayo Clinic Laboratories, Mayo Clinic
Classification: Uncertain significance. Last evaluated: 2025-05-25. Review status: criteria provided, single submitter. Criteria: ACMG Guidelines, 2015. Collection method: clinical testing. Allele origin: germline. Observed: 2 variant alleles.
Comment: BP4_moderate, PM2_supporting

NM_173842.3(IL1RN):c.128T>C (p.Val43Ala)

Gene: IL1RN (interleukin 1 receptor antagonist; plus strand). Cytogenetic location: 2q14.1.
Variant type: single nucleotide variant.
Coding change: c.128T>C on transcript NM_173842.3 (MANE Select); coding-DNA position 128, T replaced by C.
Protein change: p.Val43Ala; replaces valine 43 with alanine.
Molecular consequence: missense variant.
Genome position (GRCh38, 1-based): chr2:113,129,587, T>C. VCF-style: chr2-113129587-T-C. GRCh37 (hg19) VCF-style: chr2-113887164-T-C.
Other names: p.Val46Ala; c.137T>C, p.Val46Ala (NM_173841.3); c.26T>C, p.Val9Ala (NM_173843.3, NM_001318914.2, NM_001379360.1); c.74T>C, p.Val25Ala (NM_000577.5); short protein forms V43A, V46A, V9A, V25A.
Identifiers: ClinVar variation 4540659 (VCV004540659.1).